The following is an entry in ClinVar:

NM_001365308.1(BMPER):c.265C>T (p.Arg89Ter)

Gene: BMPER (BMP binding endothelial regulator; plus strand). Cytogenetic location: 7p14.3.
Variant type: single nucleotide variant.
Coding change: c.265C>T on transcript NM_001365308.1 (MANE Select); coding-DNA position 265, C replaced by T.
Protein change: p.Arg89Ter; replaces arginine 89 with a stop codon.
Molecular consequence: nonsense.
Genome position (GRCh38, 1-based): chr7:33,937,334, C>T. VCF-style: chr7-33937334-C-T. GRCh37 (hg19) VCF-style: chr7-33976946-C-T.
Other names: c.265C>T, p.Arg89Ter (NM_001410872.1, NM_133468.5); short protein forms R89*.
Identifiers: ClinVar variation 4881233 (VCV004881233.2).

ClinVar aggregate classification (germline): Likely pathogenic (1 of 4 stars; one submission).

Conditions:
Diaphanospondylodysostosis. Also called: VERTEBRAL OSSIFICATION, DEFECT IN, WITH NEPHROGENIC RESTS. Identifiers: Orphanet 66637, MedGen C1842691, MONDO:0011946, OMIM 608022.

gnomAD v4.1: 18 of 1,614,168 alleles (0.0011%); highest among the groups gnomAD compares: East Asian, 0.0022%; no homozygotes.

Submission:

Dasa
Classification: Likely pathogenic for Diaphanospondylodysostosis. Last evaluated: 2025-09-13. Review status: criteria provided, single submitter. Criteria: DASA Assertion Criteria. Collection method: clinical testing. Allele origin: germline.
Comment: NM_001365308.1(BMPER):c.265C>T (p.Arg89*) is a nonsense variant in BMPER predicted to introduce a premature termination codon and is predicted to result in an absent or altered protein product. Loss of function is an established disease mechanism for BMPER-associated disorders. Also, this variant is rare in population databases. Based on the currently available evidence, this variant is classified as likely pathogenic.